The following is an entry in ClinVar:

ClinVar aggregate classification (germline): Uncertain significance (1 of 4 stars; one submission).

Allele frequency attached by ClinVar (database versions not stated): gnomAD 0.00001; TOPMed 0.00001.
gnomAD v4.1: 8 of 1,611,604 alleles (0.0005%); highest among the groups gnomAD compares: Non-Finnish European, 0.00068%; no homozygotes.

Submission:

Ambry Genetics
Classification: Uncertain significance. Last evaluated: 2023-10-10. Review status: criteria provided, single submitter. Criteria: Ambry Variant Classification Scheme 2023. Collection method: clinical testing. Allele origin: germline.
Comment: The p.C367F variant (also known as c.1100G>T), located in coding exon 7 of the CTNNA3 gene, results from a G to T substitution at nucleotide position 1100. The cysteine at codon 367 is replaced by phenylalanine, an amino acid with highly dissimilar properties. This amino acid position is conserved. In addition, this alteration is predicted to be tolerated by in silico analysis. Since supporting evidence is limited at this time, the clinical significance of this alteration remains unclear.

NM_013266.4(CTNNA3):c.1100G>T (p.Cys367Phe)

Gene: CTNNA3 (catenin alpha 3; minus strand). Cytogenetic location: 10q21.3.
Variant type: single nucleotide variant.
Coding change: c.1100G>T on transcript NM_013266.4 (MANE Select); coding-DNA position 1100, G replaced by T.
Protein change: p.Cys367Phe; replaces cysteine 367 with phenylalanine.
Molecular consequence: missense variant.
Genome position (GRCh38, 1-based): chr10:66,775,472, C>A on the plus strand (G>T on the coding strand, the complement: CTNNA3 is on the minus strand). VCF-style: chr10-66775472-C-A. GRCh37 (hg19) VCF-style: chr10-68535230-C-A.
Other names: c.1100G>T, p.Cys367Phe (NM_001127384.3); short protein forms C367F.
Identifiers: ClinVar variation 3226224 (VCV003226224.1), dbSNP rs1323405727, ClinGen allele CA377092169.
Genomic context (GRCh38, chr10:66,775,472, plus strand): 5'-GTTTCTGACTCCATATCTCTCTCTTCCCTCACCTGTCTGCGAAGGTCTCTTGTCTTCTTA[C>A]ACATGTTGTCTAAAGCAATATTCAGGGTATTACTCCTTTCTTTTTTTCCAGCCTGCAAAG-3'
Protein context (NP_037398.2, residues 357-377): NTLNIALDNM[Cys367Phe]KKTRDLRRQL